The following is an entry in ClinVar:

ClinVar aggregate classification (germline): Uncertain significance (1 of 4 stars; one submission).

Conditions:
Cardiovascular phenotype. Identifiers: MedGen CN230736.

Submission:

Ambry Genetics
Classification: Uncertain significance for Cardiovascular phenotype. Last evaluated: 2023-06-03. Review status: criteria provided, single submitter. Criteria: Ambry Variant Classification Scheme 2023. Collection method: clinical testing. Allele origin: germline.
Comment: The p.S2931R variant (also known as c.8793C>G), located in coding exon 2 of the ZNF469 gene, results from a C to G substitution at nucleotide position 8793. The serine at codon 2931 is replaced by arginine, an amino acid with dissimilar properties. This amino acid position is conserved. In addition, this alteration is predicted to be tolerated by in silico analysis. Since supporting evidence is limited at this time, the clinical significance of this alteration remains unclear.

NM_001367624.2(ZNF469):c.8877C>G (p.Ser2959Arg)

Gene: ZNF469 (zinc finger protein 469; plus strand). Cytogenetic location: 16q24.2.
Variant type: single nucleotide variant.
Coding change: c.8877C>G on transcript NM_001367624.2 (MANE Select); coding-DNA position 8877, C replaced by G.
Protein change: p.Ser2959Arg; replaces serine 2959 with arginine.
Molecular consequence: missense variant.
Genome position (GRCh38, 1-based): chr16:88,436,347, C>G. VCF-style: chr16-88436347-C-G. GRCh37 (hg19) VCF-style: chr16-88502755-C-G.
Other names: NM_001127464.1:c.8793C>G; short protein forms S2959R.
Identifiers: ClinVar variation 2564273 (VCV002564273.2), dbSNP rs2507601265, ClinGen allele CA397119619.